The following is an entry in ClinVar:

NM_001458.5(FLNC):c.204C>G (p.Leu68=)

Gene: FLNC (filamin C; plus strand). Cytogenetic location: 7q32.1.
Variant type: single nucleotide variant.
Coding change: c.204C>G on transcript NM_001458.5 (MANE Select); coding-DNA position 204, C replaced by G.
Protein change: p.Leu68=; no amino-acid change (leucine 68 retained).
Molecular consequence: synonymous variant.
Genome position (GRCh38, 1-based): chr7:128,830,841, C>G. VCF-style: chr7-128830841-C-G. GRCh37 (hg19) VCF-style: chr7-128470895-C-G.
Other names: c.204C>G, p.Leu68= (NM_001127487.2).
Identifiers: ClinVar variation 1087411 (VCV001087411.12), dbSNP rs752213633, ClinGen allele CA4473975.

ClinVar aggregate classification (germline): Likely benign. Review status: criteria provided, multiple submitters, no conflicts (2 of 4 stars). 3 submissions from 3 submitters: Likely benign (3). Last evaluated 2025-12-02.

Conditions:
Hypertrophic cardiomyopathy 26. Also called: Cardiomyopathy, familial hypertrophic, 26. Identifiers: Orphanet 75249, MedGen C4310749, MONDO:0014883, OMIM 617047.
Distal myopathy with posterior leg and anterior hand involvement. Also called: WILLIAMS DISTAL MYOPATHY. Identifiers: Orphanet 63273, MedGen C3279722, MONDO:0013550, OMIM 614065.
Myofibrillar myopathy 5. Also called: FILAMINOPATHY, AUTOSOMAL DOMINANT; Filaminopathy (type). Identifiers: Orphanet 171445, MedGen C1836050, MONDO:0012289, OMIM 609524.
FLNC-related disorder. Also called: FLNC-related condition; FLNC-related disorders.
Cardiovascular phenotype. Identifiers: MedGen CN230736.

Allele frequency attached by ClinVar (database versions not stated): gnomAD exomes 0.00001; ExAC 0.00002; gnomAD 0.00003 and 0.00004; TOPMed 0.00003.
gnomAD v4.1: 20 of 1,612,984 alleles (0.0012%); highest among the groups gnomAD compares: Middle Eastern, 0.016%; no homozygotes.

Submissions (3):

Labcorp Genetics (formerly Invitae), Labcorp
Classification: Likely benign for Distal myopathy with posterior leg and anterior hand involvement; Myofibrillar myopathy 5; Hypertrophic cardiomyopathy 26. Last evaluated: 2025-12-02. Review status: criteria provided, single submitter. Criteria: Invitae Variant Classification Sherloc (09022015). Collection method: clinical testing. Allele origin: germline.

PreventionGenetics, part of Exact Sciences
Classification: Likely benign for FLNC-related condition. Last evaluated: 2025-03-31. Review status: criteria provided, single submitter. Criteria: ACMG Guidelines, 2015. Collection method: clinical testing. Allele origin: germline.
Comment: This variant is classified as likely benign based on ACMG/AMP sequence variant interpretation guidelines (Richards et al. 2015 PMID: 25741868, with internal and published modifications).

Ambry Genetics
Classification: Likely benign for Cardiovascular phenotype. Last evaluated: 2021-01-27. Review status: criteria provided, single submitter. Criteria: Ambry Variant Classification Scheme 2023. Collection method: clinical testing. Allele origin: germline.